The following is an entry in ClinVar:

ClinVar aggregate classification (germline): Pathogenic (1 of 4 stars; one submission).

Conditions:
Primary ciliary dyskinesia. Also called: Ciliary dyskinesia. Identifiers: Orphanet 244, MedGen C0008780, MONDO:0016575, HP:0012265.

Submission:

Dubai Health Genomic Medicine Center, Dubai Health
Classification: Pathogenic for Ciliary dyskinesia. Last evaluated: 2024-10-04. Review status: criteria provided, single submitter. Criteria: ACMG Guidelines, 2015. Collection method: research. Allele origin: germline. Affected: yes.
Comment: PVS1, PM2, PP4

NM_001190787.3(MCIDAS):c.607-1G>T

Gene: MCIDAS (multiciliate differentiation and DNA synthesis associated cell cycle protein; minus strand). Cytogenetic location: 5q11.2.
Variant type: single nucleotide variant.
Coding change: c.607-1G>T on transcript NM_001190787.3 (MANE Select); the canonical splice acceptor site of the intron before coding-DNA position 607, G replaced by T.
Molecular consequence: splice acceptor variant.
Genome position (GRCh38, 1-based): chr5:55,221,127, C>A on the plus strand (G>T on the coding strand, the complement: MCIDAS is on the minus strand). VCF-style: chr5-55221127-C-A. GRCh37 (hg19) VCF-style: chr5-54516955-C-A.
Identifiers: ClinVar variation 1810250 (VCV001810250.2), dbSNP rs1745349301, ClinGen allele CA359731709.